The following is an entry in ClinVar:

ClinVar aggregate classification (germline): Uncertain significance (1 of 4 stars; one submission).

Conditions:
Treacher Collins syndrome 4. Identifiers: MedGen C5394546, MONDO:0030067, OMIM 618939.

gnomAD v4.1: 5 of 1,614,222 alleles (0.00031%); highest among the groups gnomAD compares: African/African-American, 0.0013%; no homozygotes.

Submission:

OLLIN Analises Genomicas, OLLIN
Classification: Uncertain significance for Treacher Collins syndrome 4. Last evaluated: 2026-08-06. Review status: criteria provided, single submitter. Criteria: ACMG Guidelines 2015 PMID 25741868. Collection method: clinical testing. Allele origin: germline. Inheritance: Autosomal dominant inheritance.
Comment: This missense variant, located in exon 10 (of 15), has been observed in gnomAD with an allele frequency of 0.00031%, but has not been reported in ClinVar or identified in the literature. In silico analysis predicts that this variant has a deleterious effect. According to the currently available evidence, this variant has been classified as uncertain significance (PP3_M).

NM_019014.6(POLR1B):c.1735C>T (p.Arg579Cys)

Gene: POLR1B (RNA polymerase I subunit B; plus strand). Cytogenetic location: 2q14.1.
Variant type: single nucleotide variant.
Coding change: c.1735C>T on transcript NM_019014.6 (MANE Select); coding-DNA position 1735, C replaced by T.
Protein change: p.Arg579Cys; replaces arginine 579 with cysteine.
Molecular consequence: missense variant. On other transcripts: intron variant (1).
Genome position (GRCh38, 1-based): chr2:112,564,488, C>T. VCF-style: chr2-112564488-C-T. GRCh37 (hg19) VCF-style: chr2-113322065-C-T.
Other names: c.1567C>T, p.Arg523Cys (NM_001137604.3); c.1849C>T, p.Arg617Cys (NM_001282772.2); c.1102C>T, p.Arg368Cys (NM_001282776.2, NM_001371971.1); c.1318C>T, p.Arg440Cys (NM_001282777.2, NM_001282779.2, NM_001371970.1); c.1735C>T, p.Arg579Cys (NM_001371969.1); c.1197+84C>T (NM_001282774.2); short protein forms R368C, R440C, R523C, R617C, R579C.
Identifiers: ClinVar variation 5003068 (VCV005003068.1).